The following is an entry in ClinVar:

ClinVar aggregate classification (germline): Conflicting classifications of pathogenicity. Review status: criteria provided, conflicting classifications (1 of 4 stars). 4 submissions from 4 submitters: Uncertain significance (3); Likely benign (1). Last evaluated 2025-10-08.

Conditions:
CHARGE syndrome (CHARGE). Also called: Coloboma, heart anomaly, choanal atresia, retardation, genital and ear anomalies; CHARGE association; Hall-Hittner syndrome; Hittner Hirsch Kreh syndrome; CHARGE ASSOCIATION--COLOBOMA, HEART ANOMALY, CHOANAL ATRESIA, RETARDATION, GENITAL AND EAR ANOMALIES. Identifiers: Orphanet 138, MedGen C0265354, MONDO:0008965.
CHD7-related disorder. Also called: CHD7-related condition.
Hypogonadotropic hypogonadism 5 with or without anosmia (KAL5). Also called: HYPOGONADOTROPIC HYPOGONADISM 5 WITH ANOSMIA; HYPOGONADOTROPHIC HYPOGONADISM 5 WITHOUT ANOSMIA; CHD7-Related GnRH Deficiency (Kallmann Syndrome 5). Identifiers: Orphanet 478, MedGen C3552553, MONDO:0012880, OMIM 612370. Disease mechanism: loss of function.

Allele frequency attached by ClinVar (database versions not stated): ExAC 0.00001; gnomAD 0.00002; gnomAD exomes 0.00002; TOPMed 0.00002.
gnomAD v4.1: 28 of 1,613,906 alleles (0.0017%); highest among the groups gnomAD compares: Admixed American, 0.015%; no homozygotes.

Submissions (4):

Labcorp Genetics (formerly Invitae), Labcorp
Classification: Likely benign for CHARGE syndrome. Last evaluated: 2025-10-08. Review status: criteria provided, single submitter. Criteria: Invitae Variant Classification Sherloc (09022015). Collection method: clinical testing. Allele origin: germline.

PreventionGenetics, part of Exact Sciences
Classification: Uncertain significance for CHD7-related condition. Last evaluated: 2025-04-29. Review status: criteria provided, single submitter. Criteria: ACMG Guidelines, 2015. Collection method: clinical testing. Allele origin: germline.
Comment: The CHD7 c.7718A>G variant is predicted to result in the amino acid substitution p.Asn2573Ser. To our knowledge, this variant has not been reported in the literature. This variant is reported in 0.0040% of alleles in individuals of European (Finnish) descent in gnomAD. At this time, the clinical significance of this variant is uncertain due to the absence of conclusive functional and genetic evidence.

Blueprint Genetics
Classification: Uncertain significance. Last evaluated: 2024-07-30. Review status: criteria provided, single submitter. Criteria: ACMG Guidelines, 2015. Collection method: clinical testing. Allele origin: germline.

Fulgent Genetics
Classification: Uncertain significance for CHD7-related CHARGE syndrome; Hypogonadotropic hypogonadism 5 with or without anosmia. Last evaluated: 2022-01-07. Review status: criteria provided, single submitter. Criteria: ACMG Guidelines, 2015. Collection method: clinical testing. Allele origin: unknown.

NM_017780.4(CHD7):c.7718A>G (p.Asn2573Ser)

Gene: CHD7 (chromodomain helicase DNA binding protein 7; plus strand). Cytogenetic location: 8q12.2.
Variant type: single nucleotide variant.
Coding change: c.7718A>G on transcript NM_017780.4 (MANE Select); coding-DNA position 7718, A replaced by G.
Protein change: p.Asn2573Ser; replaces asparagine 2573 with serine.
Molecular consequence: missense variant. On other transcripts: intron variant (1).
Genome position (GRCh38, 1-based): chr8:60,861,013, A>G. VCF-style: chr8-60861013-A-G. GRCh37 (hg19) VCF-style: chr8-61773572-A-G.
Other names: c.7718A>G (NM_017780.3); c.1717-1216A>G (NM_001316690.1); short protein forms N2573S.
Identifiers: ClinVar variation 1434528 (VCV001434528.9), dbSNP rs764847747, ClinGen allele CA4760872.